The following is an entry in ClinVar:

NM_032119.4(ADGRV1):c.3191A>C (p.Glu1064Ala)

Gene: ADGRV1 (adhesion G protein-coupled receptor V1; plus strand). Cytogenetic location: 5q14.3.
Variant type: single nucleotide variant.
Coding change: c.3191A>C on transcript NM_032119.4 (MANE Select); coding-DNA position 3191, A replaced by C.
Protein change: p.Glu1064Ala; replaces glutamic acid 1064 with alanine.
Molecular consequence: missense variant. On other transcripts: non-coding transcript variant (1).
Genome position (GRCh38, 1-based): chr5:90,647,666, A>C. VCF-style: chr5-90647666-A-C. GRCh37 (hg19) VCF-style: chr5-89943483-A-C.
Other names: short protein forms E1064A.
Identifiers: ClinVar variation 46312 (VCV000046312.56), dbSNP rs190922596, ClinGen allele CA138098.

ClinVar aggregate classification (germline): Conflicting classifications of pathogenicity. Review status: criteria provided, conflicting classifications (1 of 4 stars). 12 submissions from 12 submitters: Uncertain significance (3); Benign (1); Likely benign (7). 1 of the submissions does not count toward it. Last evaluated 2026-08-01.

Conditions:
ADGRV1-related disorder. Also called: ADGRV1-related disorders; ADGRV1-related condition.
Retinitis pigmentosa (RP). Identifiers: Orphanet 791, MedGen C0035334, MeSH D012174, MONDO:0019200, OMIM 268000. Inheritance: Autosomal dominant, autosomal recessive and X linked inheritance.
Usher syndrome type 2C. Also called: Usher syndrome, type 2B; USHER SYNDROME, TYPE IIC. Identifiers: Orphanet 231178, Orphanet 886, MedGen C2931213, MONDO:0011558, OMIM 605472.
Febrile seizures, familial, 4 (FEB4). Also called: CONVULSIONS, FAMILIAL FEBRILE, 4. Identifiers: MedGen C1858493, MONDO:0011443, OMIM 604352.
Intellectual disability. Also called: Intellectual developmental disorder; Intellectual functioning disability; intellectual disabilities. Identifiers: MedGen C3714756, MeSH D008607, MONDO:0001071, HP:0001249.

Allele frequency attached by ClinVar (database versions not stated): 1000 Genomes Project 30x 0.00281; gnomAD 0.00189 and 0.00195; gnomAD exomes 0.00206 and 0.00213; 1000 Genomes Project 0.00240; TOPMed 0.00171; ESP Exome Variant Server 0.00200; ExAC 0.00219.
gnomAD v4.1: 3,384 of 1,613,958 alleles (0.21%); highest among the groups gnomAD compares: Admixed American, 0.3%; 7 homozygotes.

Submissions (12):

CeGaT Center for Human Genetics Tuebingen
Classification: Likely benign. Last evaluated: 2026-08-01. Review status: criteria provided, single submitter. Criteria: CeGaT Center For Human Genetics Tuebingen Variant Classification Criteria Version 2. Collection method: clinical testing. Allele origin: germline. Affected: yes. Observed: 8 variant alleles.
Comment: ADGRV1: BP4, BS2

Labcorp Genetics (formerly Invitae), Labcorp
Classification: Likely benign. Last evaluated: 2026-02-02. Review status: criteria provided, single submitter. Criteria: Invitae Variant Classification Sherloc (09022015). Collection method: clinical testing. Allele origin: germline.

Blueprint Genetics
Classification: Likely benign. Last evaluated: 2024-11-21. Review status: criteria provided, single submitter. Criteria: ACMG Guidelines, 2015. Collection method: clinical testing. Allele origin: germline.

Athena Diagnostics
Classification: Benign. Last evaluated: 2024-04-12. Review status: criteria provided, single submitter. Criteria: Athena Diagnostics Criteria. Collection method: clinical testing. Allele origin: unknown.

DBGen Ocular Genomics
Classification: Uncertain significance for Retinitis pigmentosa. Last evaluated: 2021-01-01. Review status: criteria provided, single submitter. Criteria: ACMG Guidelines, 2015. Collection method: clinical testing. Allele origin: unknown. Inheritance: Autosomal recessive inheritance. Affected: yes.
Comment: Class 3 ACMG Guidelines, 2015

GeneDx
Classification: Likely benign. Last evaluated: 2020-10-19. Review status: criteria provided, single submitter. Criteria: GeneDx Variant Classification Process June 2021. Collection method: clinical testing. Allele origin: germline. Affected: yes.
Comment: This variant is associated with the following publications: (PMID: 23804846, 22334370)

Cambridge Genomics Laboratory, East Genomic Laboratory Hub, NHS Genomic Medicine Service
Classification: Likely benign for Intellectual disability. Last evaluated: 2019-11-13. Review status: criteria provided, single submitter. Criteria: ACGS Best Practice Guidelines for Variant Classification in Rare Disease 2020. Collection method: clinical testing. Allele origin: germline. Affected: yes. Observed: 1 variant allele.

Illumina Laboratory Services, Illumina
Classification: Uncertain significance for Usher syndrome type 2C. Last evaluated: 2018-01-13. Review status: criteria provided, single submitter. Criteria: ICSL Variant Classification Criteria 13 December 2019. Collection method: clinical testing. Allele origin: germline.

Laboratory for Molecular Medicine, Mass General Brigham Personalized Medicine
Classification: Likely benign. Last evaluated: 2017-12-21. Review status: criteria provided, single submitter. Criteria: LMM Criteria. Collection method: clinical testing. Allele origin: germline. Observed: 7 variant alleles.
Comment: p.Glu1064Ala in exon 17 of ADGRV1: This variant is not expected to have clinical significance because it has been identified in 0.3% (371/126508) of European ch romosomes including one homozygote by the Genome Aggregation Database (gnomAD; dbSNP rs190922596). ACMG?AMP criteria applied: BS1

Eurofins Ntd Llc (ga)
Classification: Likely benign. Last evaluated: 2014-07-23. Review status: criteria provided, single submitter. Criteria: EGL Classification Definitions 2015. Collection method: clinical testing. Allele origin: germline. Observed: 1 variant allele, 1 heterozygote.

Genetic Services Laboratory, University of Chicago
Classification: Uncertain significance for Febrile seizures, familial, 4. Last evaluated: 2013-08-27. Review status: criteria provided, single submitter. Criteria: ACMG Guidelines, 2007. Collection method: clinical testing. Allele origin: germline. Inheritance: Autosomal dominant inheritance.

PreventionGenetics, part of Exact Sciences
Classification: Likely benign for ADGRV1-related condition. Last evaluated: 2019-10-24. Review status: no assertion criteria provided. Collection method: clinical testing. Allele origin: germline. Not counted in ClinVar's aggregate classification.
Comment: This variant is classified as likely benign based on ACMG/AMP sequence variant interpretation guidelines (Richards et al. 2015 PMID: 25741868, with internal and published modifications).

Literature cited by the submitters: PubMed 22334370 (cited by Athena Diagnostics and Laboratory for Molecular Medicine, Mass General Brigham Personalized Medicine).